The following is an entry in ClinVar:

NM_014227.3(SLC5A4):c.1185C>T (p.Thr395=)

Genes: SLC5A4 (solute carrier family 5 member 4; minus strand), SLC5A4-AS1 (SLC5A4 antisense RNA 1; plus strand). Cytogenetic location: 22q12.3.
Variant type: single nucleotide variant.
Coding change: c.1185C>T on transcript NM_014227.3 (MANE Select); coding-DNA position 1185, C replaced by T.
Protein change: p.Thr395=; no amino-acid change (threonine 395 retained).
Molecular consequence: synonymous variant.
Genome position (GRCh38, 1-based): chr22:32,229,289, G>A on the plus strand (C>T on the coding strand, the complement: SLC5A4 is on the minus strand). VCF-style: chr22-32229289-G-A. GRCh37 (hg19) VCF-style: chr22-32625276-G-A.
Identifiers: ClinVar variation 2653085 (VCV002653085.24), dbSNP rs1385794315, ClinGen allele CA514285184.

ClinVar aggregate classification (germline): Likely benign (1 of 4 stars; one submission).

Allele frequency attached by ClinVar (database versions not stated): TOPMed 0.00001; gnomAD 0.00002.
gnomAD v4.1: 21 of 1,614,062 alleles (0.0013%); highest among the groups gnomAD compares: Non-Finnish European, 0.0016%; no homozygotes.

Submission:

CeGaT Center for Human Genetics Tuebingen
Classification: Likely benign. Last evaluated: 2023-03-01. Review status: criteria provided, single submitter. Criteria: CeGaT Center For Human Genetics Tuebingen Variant Classification Criteria Version 2. Collection method: clinical testing. Allele origin: germline. Affected: yes. Observed: 1 variant allele.
Comment: SLC5A4: BP4, BP7